The following is an entry in ClinVar:

ClinVar aggregate classification (germline): Uncertain significance. Review status: criteria provided, multiple submitters, no conflicts (2 of 4 stars). 2 submissions from 2 submitters: Uncertain significance (2). Last evaluated 2024-10-18.

Conditions:
Charcot-Marie-Tooth disease type 2. Also called: Charcot-Marie-Tooth type 2. Identifiers: Orphanet 64746, MedGen C0270914, MONDO:0018993.

Submissions (2):

Ambry Genetics
Classification: Uncertain significance. Last evaluated: 2024-10-18. Review status: criteria provided, single submitter. Criteria: Ambry Variant Classification Scheme 2023. Collection method: clinical testing. Allele origin: germline.
Comment: The p.Q29H variant (also known as c.87G>C), located in coding exon 1 of the KIF1B gene, results from a G to C substitution at nucleotide position 87. The glutamine at codon 29 is replaced by histidine, an amino acid with highly similar properties. This amino acid position is well conserved in available vertebrate species. In addition, this alteration is predicted to be tolerated by in silico analysis. The evidence for this gene-disease relationship is limited; therefore, the clinical significance of this alteration is unclear.

Labcorp Genetics (formerly Invitae), Labcorp
Classification: Uncertain significance for Charcot-Marie-Tooth disease type 2. Last evaluated: 2023-11-09. Review status: criteria provided, single submitter. Criteria: Invitae Variant Classification Sherloc (09022015). Collection method: clinical testing. Allele origin: germline.
Comment: This sequence change replaces glutamine, which is neutral and polar, with histidine, which is basic and polar, at codon 29 of the KIF1B protein (p.Gln29His). This variant is not present in population databases (gnomAD no frequency). This variant has not been reported in the literature in individuals affected with KIF1B-related conditions. ClinVar contains an entry for this variant (Variation ID: 1376585). Advanced modeling of protein sequence and biophysical properties (such as structural, functional, and spatial information, amino acid conservation, physicochemical variation, residue mobility, and thermodynamic stability) performed at Invitae indicates that this missense variant is not expected to disrupt KIF1B protein function with a negative predictive value of 80%. In summary, the available evidence is currently insufficient to determine the role of this variant in disease. Therefore, it has been classified as a Variant of Uncertain Significance.

NM_001365951.3(KIF1B):c.87G>C (p.Gln29His)

Genes: KIF1B (kinesin family member 1B; plus strand), LOC129388446 (MPRA-validated peak64 silencer; plus strand). Cytogenetic location: 1p36.22.
Variant type: single nucleotide variant.
Coding change: c.87G>C on transcript NM_001365951.3 (MANE Select); coding-DNA position 87, G replaced by C.
Protein change: p.Gln29His; replaces glutamine 29 with histidine.
Molecular consequence: missense variant.
Genome position (GRCh38, 1-based): chr1:10,232,415, G>C. VCF-style: chr1-10232415-G-C. GRCh37 (hg19) VCF-style: chr1-10292473-G-C.
Other names: c.87G>C, p.Gln29His (NM_001365952.1, NM_001365953.1, NM_015074.3 and 1 more transcripts); short protein forms Q29H.
Identifiers: ClinVar variation 1376585 (VCV001376585.7), dbSNP rs2102129325, ClinGen allele CA338316421.